The following is an entry in ClinVar:

NM_001177693.2(ARHGEF28):c.2087C>T (p.Ala696Val)

Gene: ARHGEF28 (Rho guanine nucleotide exchange factor 28; plus strand). Cytogenetic location: 5q13.2.
Variant type: single nucleotide variant.
Coding change: c.2087C>T on transcript NM_001177693.2 (MANE Select); coding-DNA position 2087, C replaced by T.
Protein change: p.Ala696Val; replaces alanine 696 with valine.
Molecular consequence: missense variant.
Genome position (GRCh38, 1-based): chr5:73,864,856, C>T. VCF-style: chr5-73864856-C-T. GRCh37 (hg19) VCF-style: chr5-73160681-C-T.
Other names: c.2087C>T, p.Ala696Val (NM_001080479.3, NM_001388078.1); c.1148C>T, p.Ala383Val (NM_001244364.2); c.1793C>T, p.Ala598Val (NM_001388076.1); short protein forms A383V, A598V, A696V.
Identifiers: ClinVar variation 2634942 (VCV002634942.1), dbSNP rs956757294, ClinGen allele CA120874762.
Genomic context (GRCh38, chr5:73,864,856, plus strand): 5'-TATCTTTTCCCTTTATTTCAGACTGTAATGCAAATGTGCACAAAGGTTGTAAAGATGCTG[C>T]GCCTGCATGCACCAAGGTAATTGCTCAGTGATCTGTGAATATATATGTGGCATGGTTGCT-3'
Protein context (NP_001171164.1, residues 686-706): ANVHKGCKDA[Ala696Val]PACTKKFQEK

ClinVar aggregate classification (germline): Uncertain significance (1 of 4 stars; one submission).

Conditions:
ARHGEF28-related disorder. Also called: ARHGEF28-related condition.

Allele frequency attached by ClinVar (database versions not stated): TOPMed below 0.00001; gnomAD 0.00001; gnomAD exomes 0.00001.
gnomAD v4.1: 11 of 1,612,798 alleles (0.00068%); highest among the groups gnomAD compares: Middle Eastern, 0.016%; no homozygotes.

Submission:

PreventionGenetics, part of Exact Sciences
Classification: Uncertain significance for ARHGEF28-related condition. Last evaluated: 2023-07-12. Review status: criteria provided, single submitter. Criteria: ACMG Guidelines, 2015. Collection method: clinical testing. Allele origin: germline.
Comment: The ARHGEF28 c.2087C>T variant is predicted to result in the amino acid substitution p.Ala696Val. To our knowledge, this variant has not been reported in the literature. This variant is reported in 0.012% of alleles in individuals of Latino descent in gnomAD. At this time, the clinical significance of this variant is uncertain due to the absence of conclusive functional and genetic evidence.